The following is an entry in ClinVar:

NM_000051.4(ATM):c.159A>G (p.Lys53=)

Gene: ATM (ATM serine/threonine kinase; plus strand). Cytogenetic location: 11q22.3.
Variant type: single nucleotide variant.
Coding change: c.159A>G on transcript NM_000051.4 (MANE Select); coding-DNA position 159, A replaced by G.
Protein change: p.Lys53=; no amino-acid change (lysine 53 retained).
Molecular consequence: synonymous variant.
Genome position (GRCh38, 1-based): chr11:108,227,862, A>G. VCF-style: chr11-108227862-A-G. GRCh37 (hg19) VCF-style: chr11-108098589-A-G.
Other names: c.159A>G, p.Lys53= (NM_001351834.2, NM_001351835.2, NM_001351836.2).
Identifiers: ClinVar variation 414555 (VCV000414555.16), dbSNP rs1060504281, ClinGen allele CA16613210.

ClinVar aggregate classification (germline): Benign/Likely benign. Review status: criteria provided, multiple submitters, no conflicts (2 of 4 stars). 4 submissions from 4 submitters: Benign (1); Likely benign (3). Last evaluated 2025-01-15.

Conditions:
Hereditary cancer-predisposing syndrome. Also called: Tumor predisposition; Neoplastic Syndromes, Hereditary; Hereditary Cancer Syndrome; Hereditary neoplastic syndrome. Identifiers: Orphanet 140162, MedGen C0027672, MeSH D009386, MONDO:0015356.
Familial cancer of breast. Also called: Hereditary breast cancer; BREAST CANCER, FAMILIAL; hereditary breast carcinoma. Identifiers: Orphanet 227535, MedGen C0346153, MONDO:0016419, OMIM 114480. Disease mechanism: loss of function.
Ataxia-telangiectasia syndrome (AT). Also called: Ataxia-telangiectasia; Cerebello-oculocutaneous telangiectasia; Immunodeficiency with ataxia telangiectasia; ATAXIA-TELANGIECTASIA, COMPLEMENTATION GROUP A; ATAXIA-TELANGIECTASIA, FRESNO VARIANT; Ataxia-telangiectasia, complementation group D. Identifiers: Orphanet 100, MedGen C0004135, MONDO:0008840, OMIM 208900.

Submissions (4):

Labcorp Genetics (formerly Invitae), Labcorp
Classification: Likely benign for Ataxia-telangiectasia syndrome. Last evaluated: 2025-01-15. Review status: criteria provided, single submitter. Criteria: Invitae Variant Classification Sherloc (09022015). Collection method: clinical testing. Allele origin: germline.

Myriad Genetics, Inc.
Classification: Benign for Familial cancer of breast. Last evaluated: 2024-04-17. Review status: criteria provided, single submitter. Criteria: Myriad Autosomal Dominant, Autosomal Recessive and X-Linked Classification Criteria (2023). Collection method: clinical testing. Allele origin: unknown.
Comment: This variant is considered benign. This variant is a silent/synonymous amino acid change and it is not expected to impact splicing.

Color Diagnostics, LLC DBA Color Health
Classification: Likely benign for Hereditary cancer-predisposing syndrome. Last evaluated: 2017-04-03. Review status: criteria provided, single submitter. Criteria: ACMG Guidelines, 2015. Collection method: clinical testing. Allele origin: germline.

Ambry Genetics
Classification: Likely benign for Hereditary cancer-predisposing syndrome. Last evaluated: 2016-10-10. Review status: criteria provided, single submitter. Criteria: Ambry Variant Classification Scheme 2023. Collection method: clinical testing. Allele origin: germline.